The following is an entry in ClinVar:

NM_000051.4(ATM):c.1043T>G (p.Leu348Trp)

Gene: ATM (ATM serine/threonine kinase; plus strand). Cytogenetic location: 11q22.3.
Variant type: single nucleotide variant.
Coding change: c.1043T>G on transcript NM_000051.4 (MANE Select); coding-DNA position 1043, T replaced by G.
Protein change: p.Leu348Trp; replaces leucine 348 with tryptophan.
Molecular consequence: missense variant.
Genome position (GRCh38, 1-based): chr11:108,247,105, T>G. VCF-style: chr11-108247105-T-G. GRCh37 (hg19) VCF-style: chr11-108117832-T-G.
Other names: c.1043T>G, p.Leu348Trp (NM_001351834.2); short protein forms L348W.
Identifiers: ClinVar variation 4866136 (VCV004866136.1).
Genomic context (GRCh38, chr11:108,247,105, plus strand): 5'-GTAGAGGAAAGTATTCTTCAGGATTTCGTAATATTGCCGTCAAAGAAAATTTGATTGAAT[T>G]GATGGCAGATATCTGTCACCAGGTACAGTAAGTAGGTCATGTCACATTTAGAAATTTCCT-3'
Protein context (NP_000042.3, residues 338-358): NIAVKENLIE[Leu348Trp]MADICHQVFN

ClinVar aggregate classification (germline): Uncertain significance (1 of 4 stars; one submission).

Conditions:
Hereditary cancer-predisposing syndrome. Also called: Neoplastic Syndromes, Hereditary; Tumor predisposition; Hereditary Cancer Syndrome; Hereditary neoplastic syndrome. Identifiers: Orphanet 140162, MedGen C0027672, MeSH D009386, MONDO:0015356.

Submission:

Ambry Genetics
Classification: Uncertain significance for Hereditary cancer-predisposing syndrome. Last evaluated: 2026-04-02. Review status: criteria provided, single submitter. Criteria: Ambry Variant Classification Scheme 2023. Collection method: clinical testing. Allele origin: germline.
Comment: The p.L348W variant (also known as c.1043T>G), located in coding exon 7 of the ATM gene, results from a T to G substitution at nucleotide position 1043. The leucine at codon 348 is replaced by tryptophan, an amino acid with similar properties. This amino acid position is conserved. In addition, this alteration is predicted to be deleterious by in silico analysis. Based on the available evidence, the clinical significance of this variant remains unclear.